The following is an entry in ClinVar:

NM_000182.5(HADHA):c.2134_2138dup (p.Gly715fs)

Genes: GAREM2 (GRB2 associated regulator of MAPK1 subtype 2; plus strand), HADHA (hydroxyacyl-CoA dehydrogenase trifunctional multienzyme complex subunit alpha; minus strand). Cytogenetic location: 2p23.3.
Variant type: Duplication.
Coding change: c.2134_2138dup on transcript NM_000182.5 (MANE Select); coding-DNA positions 2134 to 2138, 5 bases duplicated (CCTTG; older notation c.2134_2138dupCCTTG).
Protein change: p.Gly715fs; shifts the reading frame from glycine 715.
Molecular consequence: frameshift variant.
Genome position (GRCh38, 1-based): chr2:26,191,491-26,191,495, CAAGG duplicated on the plus strand (CCTTG on the coding strand, the reverse complement: HADHA is on the minus strand); duplicating any 5 consecutive bases within chr2:26,191,491-26,191,496 gives the same sequence; the c. name uses the placement nearest the transcript's 3' end. VCF-style (leftmost placement, unchanged base first): chr2-26191490-A-ACAAGG. GRCh37 (hg19) VCF-style: chr2-26414359-A-ACAAGG.
Other names: short protein forms G715fs.
Identifiers: ClinVar variation 978225 (VCV000978225.1), dbSNP rs1669501514, ClinGen allele CA1139656774.

ClinVar aggregate classification (germline): Pathogenic (1 of 4 stars; one submission).

Conditions:
Mitochondrial trifunctional protein deficiency. Identifiers: Orphanet 746, MedGen C1969443, MONDO:0012172.

Submission:

Laboratory of Inherited Metabolic Diseases, Research centre for medical genetics
Classification: Pathogenic for Mitochondrial trifunctional protein deficiency 1. Last evaluated: 2020-02-11. Review status: criteria provided, single submitter. Criteria: ACMG Guidelines, 2015. Collection method: clinical testing. Allele origin: germline. Inheritance: Autosomal recessive inheritance. Affected: yes. Observed: 1 variant allele.
Comment: biochemically confirmed (MS/MS)